The following is an entry in ClinVar:

NM_000256.3(MYBPC3):c.3613C>T (p.Arg1205Trp)

Gene: MYBPC3 (myosin binding protein C3; minus strand). Cytogenetic location: 11p11.2.
Variant type: single nucleotide variant.
Coding change: c.3613C>T on transcript NM_000256.3 (MANE Select); coding-DNA position 3613, C replaced by T.
Protein change: p.Arg1205Trp; replaces arginine 1205 with tryptophan.
Molecular consequence: missense variant.
Genome position (GRCh38, 1-based): chr11:47,332,580, G>A on the plus strand (C>T on the coding strand, the complement: MYBPC3 is on the minus strand). VCF-style: chr11-47332580-G-A. GRCh37 (hg19) VCF-style: chr11-47354131-G-A.
Other names: p.R1205W:CGG>TGG; short protein forms R1205W.
Identifiers: ClinVar variation 164032 (VCV000164032.32), dbSNP rs727503171, ClinGen allele CA014469.

ClinVar aggregate classification (germline): Conflicting classifications of pathogenicity. Review status: criteria provided, conflicting classifications (1 of 4 stars). 14 submissions from 13 submitters: Pathogenic (1); Likely pathogenic (2); Uncertain significance (9). 2 of the submissions do not count toward it. Last evaluated 2026-09-01.

Conditions:
MYBPC3-related disorder. Also called: MYBPC3-related disorders; MYBPC3-related condition; MYBPC3-related disease.
Cardiovascular phenotype. Identifiers: MedGen CN230736.
Left ventricular noncompaction 10 (LVNC10). Identifiers: Orphanet 154, Orphanet 54260, MedGen C3715165, MONDO:0014163, OMIM 615396.
Cardiomyopathy (CMYO). Also called: Cardiomyopathies. Identifiers: Orphanet 167848, MedGen C0878544, MONDO:0004994, HP:0001638. Inheritance: Various modes of inheritance.
Hypertrophic cardiomyopathy 4. Also called: Familial hypertrophic cardiomyopathy 4. Identifiers: MedGen C1861862, MONDO:0007268, OMIM 115197.
Hypertrophic cardiomyopathy. Also called: HYPERTROPHIC MYOCARDIOPATHY. Identifiers: Orphanet 217569, MedGen C0007194, MeSH D002312, MONDO:0005045, HP:0001639.

Allele frequency attached by ClinVar (database versions not stated): gnomAD exomes below 0.00001; TOPMed below 0.00001; gnomAD 0.00001; ExAC 0.00002.
gnomAD v4.1: 14 of 1,612,378 alleles (0.00087%); highest among the groups gnomAD compares: Non-Finnish European, 0.0011%; no homozygotes.

Submissions (14):

CeGaT Center for Human Genetics Tuebingen
Classification: Uncertain significance. Last evaluated: 2026-09-01. Review status: criteria provided, single submitter. Criteria: CeGaT Center For Human Genetics Tuebingen Variant Classification Criteria Version 2. Collection method: clinical testing. Allele origin: germline. Affected: yes. Observed: 1 variant allele.
Comment: MYBPC3: PS4, PM2:Supporting

Labcorp Genetics (formerly Invitae), Labcorp
Classification: Likely pathogenic for Hypertrophic cardiomyopathy. Last evaluated: 2025-12-08. Review status: criteria provided, single submitter. Criteria: Invitae Variant Classification Sherloc (09022015). Collection method: clinical testing. Allele origin: germline.
Comment: This sequence change replaces arginine, which is basic and polar, with tryptophan, which is neutral and slightly polar, at codon 1205 of the MYBPC3 protein (p.Arg1205Trp). This variant is present in population databases (rs727503171, gnomAD 0.0009%). This missense change has been observed in individuals with dilated cardiomyopathy and/or hypertrophic cardiomyopathy (PMID: 24793961, 27532257, 30206291, 30775854, 31931689, 33495596, 33673806, 37652022; internal data). ClinVar contains an entry for this variant (Variation ID: 164032). An algorithm developed to predict the effect of missense changes on protein structure and function (PolyPhen-2) suggests that this variant is likely to be disruptive. In summary, the currently available evidence indicates that the variant is pathogenic, but additional data are needed to prove that conclusively. Therefore, this variant has been classified as Likely Pathogenic.

GeneDx
Classification: Likely pathogenic. Last evaluated: 2025-07-01. Review status: criteria provided, single submitter. Criteria: GeneDx Variant Classification Process June 2021. Collection method: clinical testing. Allele origin: germline. Affected: yes.
Comment: Not observed at significant frequency in large population cohorts (gnomAD); In silico analysis supports that this missense variant has a deleterious effect on protein structure/function; This variant is associated with the following publications: (PMID: 27532257, 31931689, 30206291, 33673806, 35653365, 24793961, 37652022, 30775854, 37477868, 32841044, 33495596, 38489124, 33495597)

Mayo Clinic Laboratories, Mayo Clinic
Classification: Uncertain significance. Last evaluated: 2024-09-19. Review status: criteria provided, single submitter. Criteria: ACMG Guidelines, 2015. Collection method: clinical testing. Allele origin: germline. Observed: 1 variant allele.
Comment: PM2, PS4_moderate

Blueprint Genetics
Classification: Pathogenic for MYBPC3-related disorders. Last evaluated: 2024-07-11. Review status: criteria provided, single submitter. Criteria: ACMG Guidelines, 2015. Collection method: clinical testing. Allele origin: germline. Affected: yes. Observed: 5 variant alleles.

Color Diagnostics, LLC DBA Color Health
Classification: Uncertain significance for Cardiomyopathy. Last evaluated: 2024-04-09. Review status: criteria provided, single submitter. Criteria: ACMG Guidelines, 2015. Collection method: clinical testing. Allele origin: germline.
Comment: This missense variant replaces arginine with tryptophan at codon 1205 of the MYBPC3 protein. Computational prediction tools indicate that this variant has a deleterious impact on protein structure and function. To our knowledge, functional studies have not been reported for this variant. This variant has been reported in several individuals affected with hypertrophic cardiomyopathy (PMID: 24793961, 27532257, 30206291, 30775854, 32841044, 33495596, 33495597, 33673806, 38489124). It has also been reported in one individual affected with dilated cardiomyopathy (PMID: 31931689) and in one individual affected with an unspecified cardiomyopathy (PMID: 37477868). This variant has been identified in 1/248370 chromosomes in the general population by the Genome Aggregation Database (gnomAD). The available evidence is insufficient to determine the role of this variant in disease conclusively. Therefore, this variant is classified as a Variant of Uncertain Significance.

Ambry Genetics
Classification: Uncertain significance for Cardiovascular phenotype. Last evaluated: 2024-03-21. Review status: criteria provided, single submitter. Criteria: Ambry Variant Classification Scheme 2023. Collection method: clinical testing. Allele origin: germline.
Comment: The p.R1205W variant (also known as c.3613C>T), located in coding exon 32 of the MYBPC3 gene, results from a C to T substitution at nucleotide position 3613. The arginine at codon 1205 is replaced by tryptophan, an amino acid with dissimilar properties. This alteration has been reported in hypertrophic cardiomyopathy (HCM) cohorts; however, clinical details were limited (Bos JM et al. Mayo Clin Proc, 2014 Jun;89:727-37; Walsh R et al. Genet Med, 2017 02;19:192-203; Inagaki N et al. J Hum Genet, 2018 Dec;63:1273-1276; J&auml;&auml;skel&auml;inen P et al. ESC Heart Fail, 2019 Apr;6:436-445; Harper AR et al. Nat Genet, 2021 02;53:135-142; Hathaway J et al. BMC Cardiovasc Disord, 2021 03;21:126). This amino acid position is highly conserved in available vertebrate species. In addition, this alteration is predicted to be deleterious by in silico analysis. Since supporting evidence is limited at this time, the clinical significance of this alteration remains unclear.

CHEO Genetics Diagnostic Laboratory, Children's Hospital of Eastern Ontario
Classification: Uncertain significance for Cardiomyopathy. Last evaluated: 2020-03-19. Review status: criteria provided, single submitter. Criteria: ACMG Guidelines, 2015. Collection method: clinical testing. Allele origin: germline.

Illumina Laboratory Services, Illumina
Classification: Uncertain significance for Hypertrophic cardiomyopathy 4. Last evaluated: 2018-01-13. Review status: criteria provided, single submitter. Criteria: ICSL Variant Classification Criteria 13 December 2019. Collection method: clinical testing. Allele origin: germline.

Illumina Laboratory Services, Illumina
Classification: Uncertain significance for Left ventricular noncompaction 10. Last evaluated: 2018-01-13. Review status: criteria provided, single submitter. Criteria: ICSL Variant Classification Criteria 13 December 2019. Collection method: clinical testing. Allele origin: germline.

Clinical Genetics DNA and cytogenetics Diagnostics Lab, Erasmus MC, Erasmus Medical Center
Classification: Uncertain significance for Hypertrophic cardiomyopathy 4. Last evaluated: 2015-09-21. Review status: criteria provided, single submitter. Criteria: ACGS Guidelines, 2013. Collection method: clinical testing. Allele origin: germline. Affected: yes. Study: VKGL Data-share Consensus.

Laboratory for Molecular Medicine, Mass General Brigham Personalized Medicine
Classification: Uncertain significance. Last evaluated: 2014-11-10. Review status: criteria provided, single submitter. Criteria: LMM Criteria. Collection method: clinical testing. Allele origin: germline. Observed: 1 variant allele.
Comment: The p.Arg1205Trp variant in MYBPC3 has been reported in 1 individual with HCM (B os 2014) and was absent from large population studies. Computational prediction tools and conservation analysis suggest that this variant may impact the protein , though this information is not predictive enough to determine pathogenicity. I n summary, the clinical significance of the p.Arg1205Trp variant is uncertain.

Diagnostic Laboratory, Department of Genetics, University Medical Center Groningen
Classification: Uncertain significance for Hypertrophic cardiomyopathy 4. Review status: no assertion criteria provided. Collection method: clinical testing. Allele origin: germline. Affected: yes. Study: VKGL Data-share Consensus. Not counted in ClinVar's aggregate classification.

Joint Genome Diagnostic Labs from Nijmegen and Maastricht, Radboudumc and MUMC+
Classification: Uncertain significance. Review status: no assertion criteria provided. Collection method: clinical testing. Allele origin: germline. Affected: yes. Study: VKGL Data-share Consensus. Not counted in ClinVar's aggregate classification.

Literature cited by the submitters: PubMed 24793961 (cited by 5 submitters); PubMed 27532257 (cited by 4 submitters); PubMed 30206291 (cited by 3 submitters); PubMed 30775854 (cited by 3 submitters); PubMed 31931689 (cited by 3 submitters); PubMed 33495596 (cited by Labcorp Genetics (formerly Invitae), Labcorp and Color Diagnostics, LLC DBA Color Health); PubMed 33673806 (cited by 4 submitters); PubMed 37652022 (cited by Labcorp Genetics (formerly Invitae), Labcorp and Mayo Clinic Laboratories, Mayo Clinic); PubMed 35653365 (cited by Mayo Clinic Laboratories, Mayo Clinic and Ambry Genetics); PubMed 32841044 (cited by Color Diagnostics, LLC DBA Color Health); PubMed 33495597 (cited by Color Diagnostics, LLC DBA Color Health and Ambry Genetics); PubMed 37477868 (cited by Color Diagnostics, LLC DBA Color Health and Ambry Genetics); PubMed 38489124 (cited by Color Diagnostics, LLC DBA Color Health).